The following is an entry in ClinVar:

ClinVar aggregate classification (germline): Uncertain significance (1 of 4 stars; one submission).

Conditions:
Alpha-methylacyl-CoA racemase deficiency (AMACRD). Also called: AMACR deficiency. Identifiers: Orphanet 79095, MedGen C3280428, MONDO:0013681, OMIM 614307. Disease mechanism: loss of function.

Allele frequency attached by ClinVar (database versions not stated): gnomAD exomes below 0.00001; gnomAD 0.00001; TOPMed 0.00001.
gnomAD v4.1: 3 of 1,613,996 alleles (0.00019%); highest among the groups gnomAD compares: Admixed American, 0.0033%; no homozygotes.

Submission:

Labcorp Genetics (formerly Invitae), Labcorp
Classification: Uncertain significance for Alpha-methylacyl-CoA racemase deficiency. Last evaluated: 2022-08-05. Review status: criteria provided, single submitter. Criteria: Invitae Variant Classification Sherloc (09022015). Collection method: clinical testing. Allele origin: germline.
Comment: This sequence change replaces leucine, which is neutral and non-polar, with methionine, which is neutral and non-polar, at codon 107 of the AMACR protein (p.Leu107Met). This variant is present in population databases (no rsID available, gnomAD 0.006%). This variant has not been reported in the literature in individuals affected with AMACR-related conditions. ClinVar contains an entry for this variant (Variation ID: 1432207). Algorithms developed to predict the effect of missense changes on protein structure and function are either unavailable or do not agree on the potential impact of this missense change (SIFT: "Deleterious"; PolyPhen-2: "Possibly Damaging"; Align-GVGD: "Class C0"). In summary, the available evidence is currently insufficient to determine the role of this variant in disease. Therefore, it has been classified as a Variant of Uncertain Significance.

NM_014324.6(AMACR):c.319C>A (p.Leu107Met)

Genes: AMACR (alpha-methylacyl-CoA racemase; minus strand), C1QTNF3-AMACR (C1QTNF3-AMACR readthrough (NMD candidate); minus strand). Cytogenetic location: 5p13.2.
Variant type: single nucleotide variant.
Coding change: c.319C>A on transcript NM_014324.6 (MANE Select); coding-DNA position 319, C replaced by A.
Protein change: p.Leu107Met; replaces leucine 107 with methionine.
Molecular consequence: missense variant. On other transcripts: non-coding transcript variant (1).
Genome position (GRCh38, 1-based): chr5:34,005,828, G>T on the plus strand (C>A on the coding strand, the complement: AMACR is on the minus strand). VCF-style: chr5-34005828-G-T. GRCh37 (hg19) VCF-style: chr5-34005933-G-T.
Other names: c.319C>A, p.Leu107Met (NM_001167595.2, NM_203382.3); short protein forms L107M.
Identifiers: ClinVar variation 1432207 (VCV001432207.3), dbSNP rs1376599461, ClinGen allele CA359383856.